The following is an entry in ClinVar:

NM_005120.3(MED12):c.6288GCA[8] (p.Gln2115dup)

Gene: MED12 (mediator complex subunit 12; plus strand). Cytogenetic location: Xq13.1.
Variant type: Microsatellite.
Coding change: c.6288GCA[8] on transcript NM_005120.3 (MANE Select); eight copies in a row of the 3-base unit GCA starting at c.6288; the reference has seven copies in a row; one copy, 3 bases duplicated; also written c.6306_6308dup.
Protein change: p.Gln2115dup; duplicates glutamine 2115.
Molecular consequence: inframe insertion.
Genome position (GRCh38, 1-based): chrX:71,141,268-71,141,270, GCA duplicated; duplicating any 3 consecutive bases within chrX:71,141,248-71,141,270 gives the same sequence; the position shown is the placement nearest the transcript's 3' end. VCF-style (leftmost placement, unchanged base first): chrX-71141247-A-ACAG. GRCh37 (hg19) VCF-style: chrX-70361097-A-ACAG.
Other names: c.6306_6308dup (NM_005120.2).
Identifiers: ClinVar variation 418565 (VCV000418565.18), dbSNP rs766775649, ClinGen allele CA10444916.

ClinVar aggregate classification (germline): Conflicting classifications of pathogenicity. Review status: criteria provided, conflicting classifications (1 of 4 stars). 4 submissions from 4 submitters: Uncertain significance (1); Likely benign (3). Last evaluated 2025-11-16.

Conditions:
FG syndrome (FGS). Identifiers: MedGen C0220769, MONDO:0002010.
Familial thoracic aortic aneurysm and aortic dissection (TAAD). Also called: Thoracic aortic aneurysms and dissections. Identifiers: Orphanet 91387, MedGen C4707243, MONDO:0019625.

Submissions (4):

Labcorp Genetics (formerly Invitae), Labcorp
Classification: Uncertain significance for FG syndrome. Last evaluated: 2025-11-16. Review status: criteria provided, single submitter. Criteria: Invitae Variant Classification Sherloc (09022015). Collection method: clinical testing. Allele origin: germline.
Comment: This variant, c.6306_6308dup, results in the insertion of 1 amino acid(s) of the MED12 protein (p.Gln2115dup), but otherwise preserves the integrity of the reading frame. The frequency data for this variant in the population databases is considered unreliable, as metrics indicate poor data quality at this position in the gnomAD database. This variant has not been reported in the literature in individuals affected with MED12-related conditions. ClinVar contains an entry for this variant (Variation ID: 418565). Experimental studies and prediction algorithms are not available or were not evaluated, and the functional significance of this variant is currently unknown. In summary, the available evidence is currently insufficient to determine the role of this variant in disease. Therefore, it has been classified as a Variant of Uncertain Significance.

CeGaT Center for Human Genetics Tuebingen
Classification: Likely benign. Last evaluated: 2025-10-01. Review status: criteria provided, single submitter. Criteria: CeGaT Center For Human Genetics Tuebingen Variant Classification Criteria Version 2. Collection method: clinical testing. Allele origin: germline. Affected: yes. Observed: 1 variant allele.
Comment: MED12: BS2

Ambry Genetics
Classification: Likely benign for Familial thoracic aortic aneurysm and aortic dissection. Last evaluated: 2018-06-18. Review status: criteria provided, single submitter. Criteria: Ambry Variant Classification Scheme 2023. Collection method: clinical testing. Allele origin: germline.

GeneDx
Classification: Likely benign. Last evaluated: 2016-06-23. Review status: criteria provided, single submitter. Criteria: GeneDx Variant Classification (06012015). Collection method: clinical testing. Allele origin: germline. Affected: yes.
Comment: This variant is considered likely benign or benign based on one or more of the following criteria: it is a conservative change, it occurs at a poorly conserved position in the protein, it is predicted to be benign by multiple in silico algorithms, and/or has population frequency not consistent with disease.